The following is an entry in ClinVar:

NM_000322.5(PRPH2):c.1024G>A (p.Ala342Thr)

Gene: PRPH2 (peripherin 2; minus strand). Cytogenetic location: 6p21.1.
Variant type: single nucleotide variant.
Coding change: c.1024G>A on transcript NM_000322.5 (MANE Select); coding-DNA position 1024, G replaced by A.
Protein change: p.Ala342Thr; replaces alanine 342 with threonine.
Molecular consequence: missense variant.
Genome position (GRCh38, 1-based): chr6:42,698,312, C>T on the plus strand (G>A on the coding strand, the complement: PRPH2 is on the minus strand). VCF-style: chr6-42698312-C-T. GRCh37 (hg19) VCF-style: chr6-42666050-C-T.
Other names: short protein forms A342T.
Identifiers: ClinVar variation 1422904 (VCV001422904.6), dbSNP rs1799983757, ClinGen allele CA364132527.

ClinVar aggregate classification (germline): Uncertain significance (1 of 4 stars; one submission).

Conditions:
PRPH2-related disorder. Also called: PRPH2-related condition; PRPH2-related disorders. Identifiers: MedGen CN239395.

gnomAD v4.1: 2 of 1,613,806 alleles (0.00012%); highest among the groups gnomAD compares: South Asian, 0.0022%; no homozygotes.

Submission:

Labcorp Genetics (formerly Invitae), Labcorp
Classification: Uncertain significance for PRPH2-related disorder. Last evaluated: 2023-05-15. Review status: criteria provided, single submitter. Criteria: Invitae Variant Classification Sherloc (09022015). Collection method: clinical testing. Allele origin: germline.
Comment: This sequence change replaces alanine, which is neutral and non-polar, with threonine, which is neutral and polar, at codon 342 of the PRPH2 protein (p.Ala342Thr). This variant is not present in population databases (gnomAD no frequency). This variant has not been reported in the literature in individuals affected with PRPH2-related conditions. ClinVar contains an entry for this variant (Variation ID: 1422904). Advanced modeling of protein sequence and biophysical properties (such as structural, functional, and spatial information, amino acid conservation, physicochemical variation, residue mobility, and thermodynamic stability) performed at Invitae indicates that this missense variant is not expected to disrupt PRPH2 protein function. In summary, the available evidence is currently insufficient to determine the role of this variant in disease. Therefore, it has been classified as a Variant of Uncertain Significance.